The following is an entry in ClinVar:

ClinVar aggregate classification (germline): Uncertain significance (1 of 4 stars; one submission).

Conditions:
Pitt-Hopkins-like syndrome 2 (PTHSL2). Identifiers: Orphanet 221150, Orphanet 600663, MedGen C3280479, MONDO:0013690, OMIM 614325.

Submission:

Labcorp Genetics (formerly Invitae), Labcorp
Classification: Uncertain significance for Pitt-Hopkins-like syndrome 2. Last evaluated: 2022-06-22. Review status: criteria provided, single submitter. Criteria: Invitae Variant Classification Sherloc (09022015). Collection method: clinical testing. Allele origin: germline.
Comment: In summary, the available evidence is currently insufficient to determine the role of this variant in disease. Therefore, it has been classified as a Variant of Uncertain Significance. Algorithms developed to predict the effect of missense changes on protein structure and function (SIFT, PolyPhen-2, Align-GVGD) all suggest that this variant is likely to be tolerated. This variant has not been reported in the literature in individuals affected with NRXN1-related conditions. This variant is not present in population databases (gnomAD no frequency). This sequence change replaces alanine, which is neutral and non-polar, with proline, which is neutral and non-polar, at codon 1279 of the NRXN1 protein (p.Ala1279Pro).

NM_001330078.2(NRXN1):c.3715G>C (p.Ala1239Pro)

Gene: NRXN1 (neurexin 1; minus strand). Cytogenetic location: 2p16.3.
Variant type: single nucleotide variant.
Coding change: c.3715G>C on transcript NM_001330078.2 (MANE Select); coding-DNA position 3715, G replaced by C.
Protein change: p.Ala1239Pro; replaces alanine 1239 with proline.
Molecular consequence: missense variant.
Genome position (GRCh38, 1-based): chr2:50,091,326, C>G on the plus strand (G>C on the coding strand, the complement: NRXN1 is on the minus strand). VCF-style: chr2-50091326-C-G. GRCh37 (hg19) VCF-style: chr2-50318464-C-G.
Other names: c.3835G>C, p.Ala1279Pro (NM_001135659.3); c.3691G>C, p.Ala1231Pro (NM_001330077.2, NM_001330082.2); c.3649G>C, p.Ala1217Pro (NM_001330083.2, NM_001330084.2); c.3688G>C, p.Ala1230Pro (NM_001330085.2); c.3715G>C, p.Ala1239Pro (NM_001330086.2, NM_004801.6); c.3604G>C, p.Ala1202Pro (NM_001330087.2, NM_001330096.2); c.3634G>C, p.Ala1212Pro (NM_001330088.2); c.610G>C, p.Ala204Pro (NM_001330091.2, NM_001330092.2, NM_001330097.2 and 1 more transcripts); and 3 more; short protein forms A1217P, A1222P, A1235P, A1279P, A204P, A1230P, A1231P, A1212P.
Identifiers: ClinVar variation 2192671 (VCV002192671.4), dbSNP rs2468067461, ClinGen allele CA346818942.